The following is an entry in ClinVar:

ClinVar aggregate classification (germline): Uncertain significance. Review status: criteria provided, multiple submitters, no conflicts (2 of 4 stars). 2 submissions from 2 submitters: Uncertain significance (2). Last evaluated 2025-08-12.

Conditions:
Neurofibromatosis, type 1 (NF1). Also called: Peripheral type neurofibromatosis; NEUROFIBROMATOSIS, TYPE I, SOMATIC; VON RECKLINGHAUSEN DISEASE; Neurofibromatosis, type I. Identifiers: Orphanet 636, MedGen C0027831, MONDO:0018975, OMIM 162200. Disease mechanism: loss of function.
Cardiovascular phenotype. Identifiers: MedGen CN230736.
Hereditary cancer-predisposing syndrome. Also called: Neoplastic Syndromes, Hereditary; Tumor predisposition; Hereditary Cancer Syndrome; Hereditary neoplastic syndrome. Identifiers: Orphanet 140162, MedGen C0027672, MeSH D009386, MONDO:0015356.

gnomAD v4.1: 1 of 1,611,488 alleles (0.000062%); no homozygotes.

Submissions (2):

Ambry Genetics
Classification: Uncertain significance for Cardiovascular phenotype; Hereditary cancer-predisposing syndrome. Last evaluated: 2025-08-12. Review status: criteria provided, single submitter. Criteria: Ambry Variant Classification Scheme 2023. Collection method: clinical testing. Allele origin: germline.
Comment: The p.N614S variant (also known as c.1841A>G), located in coding exon 16 of the NF1 gene, results from an A to G substitution at nucleotide position 1841. The asparagine at codon 614 is replaced by serine, an amino acid with highly similar properties. This amino acid position is conserved. In addition, this alteration is predicted to be tolerated by in silico analysis. Based on the available evidence, the clinical significance of this variant remains unclear.

Labcorp Genetics (formerly Invitae), Labcorp
Classification: Uncertain significance for Neurofibromatosis, type 1. Last evaluated: 2024-03-29. Review status: criteria provided, single submitter. Criteria: Invitae Variant Classification Sherloc (09022015). Collection method: clinical testing. Allele origin: germline.
Comment: This sequence change replaces asparagine, which is neutral and polar, with serine, which is neutral and polar, at codon 614 of the NF1 protein (p.Asn614Ser). This variant is not present in population databases (gnomAD no frequency). This variant has not been reported in the literature in individuals affected with NF1-related conditions. Advanced modeling of protein sequence and biophysical properties (such as structural, functional, and spatial information, amino acid conservation, physicochemical variation, residue mobility, and thermodynamic stability) has been performed at Invitae for this missense variant, however the output from this modeling did not meet the statistical confidence thresholds required to predict the impact of this variant on NF1 protein function. In summary, the available evidence is currently insufficient to determine the role of this variant in disease. Therefore, it has been classified as a Variant of Uncertain Significance.

NM_001042492.3(NF1):c.1841A>G (p.Asn614Ser)

Gene: NF1 (neurofibromin 1; plus strand). Cytogenetic location: 17q11.2.
Variant type: single nucleotide variant.
Coding change: c.1841A>G on transcript NM_001042492.3 (MANE Select); coding-DNA position 1841, A replaced by G.
Protein change: p.Asn614Ser; replaces asparagine 614 with serine.
Molecular consequence: missense variant.
Genome position (GRCh38, 1-based): chr17:31,223,563, A>G. VCF-style: chr17-31223563-A-G. GRCh37 (hg19) VCF-style: chr17-29550581-A-G.
Other names: c.1841A>G, p.Asn614Ser (NM_000267.4); short protein forms N614S.
Identifiers: ClinVar variation 3609337 (VCV003609337.3).